The following is an entry in ClinVar:

ClinVar aggregate classification (germline): Pathogenic/Likely pathogenic. Review status: criteria provided, multiple submitters, no conflicts (2 of 4 stars). 11 submissions from 11 submitters: Pathogenic (3); Likely pathogenic (8). Last evaluated 2026-09-14.

Conditions:
SLC12A3-related disorder. Also called: SLC12A3-related condition.
Renal tubulopathies.
Familial hypokalemia-hypomagnesemia (GTLMNS). Also called: gitelman syndrome; HYPOMAGNESEMIA-HYPOKALEMIA, PRIMARY RENOTUBULAR, WITH HYPOCALCIURIA; POTASSIUM AND MAGNESIUM DEPLETION. Identifiers: Orphanet 358, MedGen C0268450, MONDO:0009904, OMIM 263800.

Allele frequency attached by ClinVar (database versions not stated): gnomAD exomes 0.00002 and 0.00005; TOPMed 0.00002; gnomAD 0.00004 and 0.00003; ExAC 0.00002; ESP Exome Variant Server 0.00008.
gnomAD v4.1: 81 of 1,613,896 alleles (0.005%); highest among the groups gnomAD compares: Non-Finnish European, 0.0067%; 1 homozygote.

Submissions (11):

Genetics Laboratory, Great Ormond Street Hospital NHS Foundation Trust, North Thames Genomic Laboratory Hub
Classification: Likely pathogenic for Renal tubulopathies. Last evaluated: 2026-09-14. Review status: criteria provided, single submitter. Criteria: ACGS Best Practice Guidelines for Variant Classification in Rare Disease 2024 v1.2. Collection method: clinical testing. Allele origin: germline. Affected: yes.
Comment: PM2_moderate, BP4_supporting, PM3_strong, PP4_supporting

PreventionGenetics, part of Exact Sciences
Classification: Pathogenic for SLC12A3-related condition. Last evaluated: 2026-06-11. Review status: criteria provided, single submitter. Criteria: ACMG Guidelines, 2015. Collection method: clinical testing. Allele origin: germline.
Comment: The SLC12A3 c.938C>T variant is predicted to result in the amino acid substitution p.Ala313Val. This variant has been reported in the homozygous state or with other SLC12A3 variants in multiple individuals with Gitelman syndrome (Cruz et al. 2001. PubMed ID: 11168953; Table S1, Hureaux et al. 2019. PubMed ID: 31672324; Table S1, Glaudemans et al. 2011. PubMed ID: 22009145; Nicolet-Barousse et al. 2004. PubMed ID: 15824853). This variant is reported in 0.0040% of alleles in individuals of African descent in gnomAD. This variant is interpreted as pathogenic.

GeneDx
Classification: Likely pathogenic. Last evaluated: 2026-03-03. Review status: criteria provided, single submitter. Criteria: GeneDx Variant Classification Process June 2021. Collection method: clinical testing. Allele origin: germline.
Comment: In silico analysis suggests that this missense variant does not alter protein structure/function; This variant is associated with the following publications: (PMID: 32742169, 11168953, 31672324, 22009145, 15824853, 31589614, 21415153)

Victorian Clinical Genetics Services, Murdoch Childrens Research Institute
Classification: Pathogenic for Familial hypokalemia-hypomagnesemia. Last evaluated: 2025-12-04. Review status: criteria provided, single submitter. Criteria: ACMG Guidelines, 2015. Collection method: clinical testing. Allele origin: germline. Affected: yes.
Comment: This variant is classified as Pathogenic. Evidence in support of pathogenic classification: Variant is present in gnomAD <0.01 for a recessive condition (v4: 79 heterozygote(s), 1 homozygote(s)); This variant has strong previous evidence of pathogenicity in unrelated individuals. This variant has been classified as pathogenic/likely pathogenic by clinical laboratories in ClinVar, and it has been reported in the literature in at least ten individuals with Gitelman Syndrome, in both the homozygous and compound heterozygous state (PMIDs: 25012174, 22009145, 21415153). Evidence in support of benign classification: Missense variant predicted to be tolerated by in silico tool(s) or not conserved in placental mammals with a minor amino acid change. Additional information: Variant is predicted to result in a missense amino acid change from alanine to valine; This variant is heterozygous; This gene is associated with autosomal recessive disease; Alternative amino acid change(s) at the same position are present in gnomAD (highest allele count: v4: 1 heterozygote(s), 0 homozygote(s)); Variant is located in the annotated amino acid permease domain (DECIPHER); Loss of function is a known mechanism of disease in this gene and is associated with Gitelman syndrome (MIM#263800); Inheritance information for this variant is not currently available in this individual.

Natera, Inc.
Classification: Likely pathogenic for Gitelman syndrome. Last evaluated: 2025-09-29. Review status: criteria provided, single submitter. Criteria: Natera Variant Classification Schema (03/2026). Collection method: clinical testing. Allele origin: germline.
Comment: The c.938C>T variant in SLC12A3 is a missense variant predicted to cause substitution of alanine to valine at amino acid 313. This variant is rare in the general population with a frequency below the threshold expected for the associated phenotype(s). This variant has been observed in one or more individuals affected with the associated recessive disease, as either homozygous or compound heterozygous with a second variant (PMID: 21415153). Given the available evidence, this variant is classified as Likely Pathogenic.

Labcorp Genetics (formerly Invitae), Labcorp
Classification: Pathogenic. Last evaluated: 2024-05-13. Review status: criteria provided, single submitter. Criteria: Invitae Variant Classification Sherloc (09022015). Collection method: clinical testing. Allele origin: germline.
Comment: This sequence change replaces alanine, which is neutral and non-polar, with valine, which is neutral and non-polar, at codon 313 of the SLC12A3 protein (p.Ala313Val). This variant is present in population databases (rs140551719, gnomAD 0.004%). This missense change has been observed in individual(s) with Gitelman syndrome (PMID: 11168953, 15824853, 21415153, 22009145). In at least one individual the data is consistent with being in trans (on the opposite chromosome) from a pathogenic variant. ClinVar contains an entry for this variant (Variation ID: 448400). Advanced modeling of protein sequence and biophysical properties (such as structural, functional, and spatial information, amino acid conservation, physicochemical variation, residue mobility, and thermodynamic stability) has been performed at Invitae for this missense variant, however the output from this modeling did not meet the statistical confidence thresholds required to predict the impact of this variant on SLC12A3 protein function. For these reasons, this variant has been classified as Pathogenic.

Blueprint Genetics
Classification: Likely pathogenic for SLC12A3-related disorders. Last evaluated: 2024-01-31. Review status: criteria provided, single submitter. Criteria: ACMG Guidelines, 2015. Collection method: clinical testing. Allele origin: germline. Affected: yes. Observed: 2 variant alleles.

Fulgent Genetics
Classification: Likely pathogenic for Familial hypokalemia-hypomagnesemia. Last evaluated: 2024-01-16. Review status: criteria provided, single submitter. Criteria: ACMG Guidelines, 2015. Collection method: clinical testing. Allele origin: germline.

European Hospital Georges Pompidou Genetics Department, Assistance Publique - Hôpitaux de Paris AP-HP
Classification: Likely pathogenic for Familial hypokalemia-hypomagnesemia. Last evaluated: 2022-04-27. Review status: criteria provided, single submitter. Criteria: ACMG Guidelines, 2015. Collection method: clinical testing. Allele origin: germline. Affected: yes.
Comment: ACMG criteria used:PS4 PM1 PM2 PP5

Genome-Nilou Lab
Classification: Likely pathogenic for Familial hypokalemia-hypomagnesemia. Last evaluated: 2021-07-15. Review status: criteria provided, single submitter. Criteria: ACMG Guidelines, 2015. Collection method: clinical testing. Allele origin: germline. Affected: no.

Athena Diagnostics
Classification: Likely pathogenic. Last evaluated: 2016-08-16. Review status: criteria provided, single submitter. Criteria: Athena Diagnostics Criteria. Collection method: clinical testing. Allele origin: germline.

Literature cited by the submitters: PubMed 25012174 (cited by Victorian Clinical Genetics Services, Murdoch Childrens Research Institute); PubMed 22009145 (cited by 3 submitters); PubMed 21415153 (cited by 4 submitters); PubMed 11168953 (cited by Labcorp Genetics (formerly Invitae), Labcorp and Athena Diagnostics); PubMed 15824853 (cited by Labcorp Genetics (formerly Invitae), Labcorp and Athena Diagnostics); PubMed 23328711 (cited by Athena Diagnostics).

NM_001126108.2(SLC12A3):c.938C>T (p.Ala313Val)

Gene: SLC12A3 (solute carrier family 12 member 3; plus strand). Cytogenetic location: 16q13.
Variant type: single nucleotide variant.
Coding change: c.938C>T on transcript NM_001126108.2 (MANE Select); coding-DNA position 938, C replaced by T.
Protein change: p.Ala313Val; replaces alanine 313 with valine.
Molecular consequence: missense variant.
Genome position (GRCh38, 1-based): chr16:56,872,436, C>T. VCF-style: chr16-56872436-C-T. GRCh37 (hg19) VCF-style: chr16-56906348-C-T.
Other names: c.938C>T, p.Ala313Val (NM_000339.3); c.935C>T, p.Ala312Val (NM_001126107.2); c.938C>T (NM_001126108.1); short protein forms A313V, A312V.
Identifiers: ClinVar variation 448400 (VCV000448400.20), dbSNP rs140551719, ClinGen allele CA8069267.